The following is an entry in ClinVar:

NM_020686.6(ABAT):c.964G>A (p.Ala322Thr)

Gene: ABAT (4-aminobutyrate aminotransferase; plus strand). Cytogenetic location: 16p13.2.
Variant type: single nucleotide variant.
Coding change: c.964G>A on transcript NM_020686.6 (MANE Select); coding-DNA position 964, G replaced by A.
Protein change: p.Ala322Thr; replaces alanine 322 with threonine.
Molecular consequence: missense variant.
Genome position (GRCh38, 1-based): chr16:8,774,899, G>A. VCF-style: chr16-8774899-G-A. GRCh37 (hg19) VCF-style: chr16-8868756-G-A.
Other names: c.964G>A, p.Ala322Thr (NM_000663.5, NM_001127448.2, NM_001386600.1 and 6 more transcripts); c.925G>A, p.Ala309Thr (NM_001386605.1); c.901G>A, p.Ala301Thr (NM_001386606.1, NM_001386607.1); c.871G>A, p.Ala291Thr (NM_001386608.1); c.829G>A, p.Ala277Thr (NM_001386610.1, NM_001386611.1); c.766G>A, p.Ala256Thr (NM_001386612.1, NM_001386613.1); c.718G>A, p.Ala240Thr (NM_001386614.1); c.1060G>A, p.Ala354Thr (NM_001386615.1); short protein forms A322T, A240T, A256T, A277T, A291T, A301T, A309T, A354T.
Identifiers: ClinVar variation 578587 (VCV000578587.9), dbSNP rs201221998, ClinGen allele CA277473814.

ClinVar aggregate classification (germline): Uncertain significance (1 of 4 stars; one submission).

Conditions:
Gamma-aminobutyric acid transaminase deficiency (GABATD). Also called: GABA aminotransaminase deficiency; GABA transaminase deficiency; Gamma aminobutyrate transaminase deficiency; 4 alpha aminobutyrate transaminase deficiency. Identifiers: Orphanet 2066, MedGen C0342708, MONDO:0013166, OMIM 613163.

Allele frequency attached by ClinVar (database versions not stated): gnomAD exomes below 0.00001; gnomAD 0.00001; TOPMed 0.00001.
gnomAD v4.1: 3 of 1,613,892 alleles (0.00019%); highest among the groups gnomAD compares: Non-Finnish European, 0.00025%; no homozygotes.

Submission:

Labcorp Genetics (formerly Invitae), Labcorp
Classification: Uncertain significance for Gamma-aminobutyric acid transaminase deficiency. Last evaluated: 2017-08-15. Review status: criteria provided, single submitter. Criteria: Invitae Variant Classification Sherloc (09022015). Collection method: clinical testing. Allele origin: germline.
Comment: This sequence change replaces alanine with threonine at codon 322 of the ABAT protein (p.Ala322Thr). The alanine residue is moderately conserved and there is a small physicochemical difference between alanine and threonine. In summary, the available evidence is currently insufficient to determine the role of this variant in disease. Therefore, it has been classified as a Variant of Uncertain Significance. Algorithms developed to predict the effect of missense changes on protein structure and function (SIFT, PolyPhen-2, Align-GVGD) all suggest that this variant is likely to be tolerated, but these predictions have not been confirmed by published functional studies and their clinical significance is uncertain. This variant has not been reported in the literature in individuals with ABAT-related disease. This variant is not present in population databases (ExAC no frequency).